The following is an entry in ClinVar:

NM_018979.4(WNK1):c.415G>C (p.Ala139Pro)

Gene: WNK1 (WNK lysine deficient protein kinase 1; plus strand). Cytogenetic location: 12p13.33.
Variant type: single nucleotide variant.
Coding change: c.415G>C on transcript NM_018979.4 (MANE Select); coding-DNA position 415, G replaced by C.
Protein change: p.Ala139Pro; replaces alanine 139 with proline.
Molecular consequence: missense variant.
Genome position (GRCh38, 1-based): chr12:753,980, G>C. VCF-style: chr12-753980-G-C. GRCh37 (hg19) VCF-style: chr12-863146-G-C.
Other names: c.415G>C, p.Ala139Pro (NM_001184985.2, NM_014823.3, NM_213655.5); short protein forms A139P.
Identifiers: ClinVar variation 969443 (VCV000969443.9), dbSNP rs770006921, ClinGen allele CA6381782.

ClinVar aggregate classification (germline): Uncertain significance (1 of 4 stars; one submission).

Conditions:
Neuropathy, hereditary sensory and autonomic, type 2A (HSAN2A). Also called: ACROOSTEOLYSIS, GIACCAI TYPE; ACROOSTEOLYSIS, NEUROGENIC; WNK1-Related HSAN2 (HSAN2A); HSAN IIA; MORVAN DISEASE; NEUROPATHY, CONGENITAL SENSORY. Identifiers: Orphanet 970, MedGen C2752089, MONDO:0024309, OMIM 201300.
Pseudohypoaldosteronism type 2C (PHA2C). Also called: Pseudohypoaldosteronism Type IIC. Identifiers: Orphanet 757, Orphanet 88940, MedGen C1840391, MONDO:0013778, OMIM 614492.

Allele frequency attached by ClinVar (database versions not stated): ExAC below 0.00001; gnomAD 0.00001.

Submission:

Labcorp Genetics (formerly Invitae), Labcorp
Classification: Uncertain significance for Neuropathy, hereditary sensory and autonomic, type 2A; Pseudohypoaldosteronism type 2C. Last evaluated: 2019-10-16. Review status: criteria provided, single submitter. Criteria: Invitae Variant Classification Sherloc (09022015). Collection method: clinical testing. Allele origin: germline.
Comment: In summary, the available evidence is currently insufficient to determine the role of this variant in disease. Therefore, it has been classified as a Variant of Uncertain Significance. Algorithms developed to predict the effect of missense changes on protein structure and function output the following: SIFT: "Deleterious"; PolyPhen-2: "Not Available"; Align-GVGD: "Class C0". The proline amino acid residue is found in multiple mammalian species, suggesting that this missense change does not adversely affect protein function. These predictions have not been confirmed by published functional studies and their clinical significance is uncertain. This variant has not been reported in the literature in individuals with WNK1-related conditions. The frequency data for this variant in the population databases is considered unreliable, as metrics indicate poor data quality at this position in the ExAC database. This sequence change replaces alanine with proline at codon 139 of the WNK1 protein (p.Ala139Pro). The alanine residue is moderately conserved and there is a small physicochemical difference between alanine and proline.